The following is an entry in ClinVar:

NM_018127.7(ELAC2):c.157G>T (p.Gly53Cys)

Gene: ELAC2 (elaC ribonuclease Z 2; minus strand). Cytogenetic location: 17p12.
Variant type: single nucleotide variant.
Coding change: c.157G>T on transcript NM_018127.7 (MANE Select); coding-DNA position 157, G replaced by T.
Protein change: p.Gly53Cys; replaces glycine 53 with cysteine.
Molecular consequence: missense variant.
Genome position (GRCh38, 1-based): chr17:13,017,791, C>A on the plus strand (G>T on the coding strand, the complement: ELAC2 is on the minus strand). VCF-style: chr17-13017791-C-A. GRCh37 (hg19) VCF-style: chr17-12921108-C-A.
Other names: c.157G>T, p.Gly53Cys (NM_001165962.2, NM_173717.2); short protein forms G53C.
Identifiers: ClinVar variation 1514610 (VCV001514610.8), dbSNP rs1598280792, ClinGen allele CA398219054.
Genomic context (GRCh38, chr17:13,017,791, plus strand): 5'-CGGCGCCCGAGTCCCGGCTACCCGCTGCCACCACCTGCAGGTACACGGTGTTTGGGCCGC[C>A]GGAGCACCCCGACGGTCCGCGCTTCTCTCGCGTGCGCAGGTGCCGCAGCGGGTCCTTGCG-3'
Protein context (NP_060597.4, residues 43-63): REKRGPSGCS[Gly53Cys]GPNTVYLQVV

ClinVar aggregate classification (germline): Uncertain significance (1 of 4 stars; one submission).

Conditions:
Combined oxidative phosphorylation defect type 17. Also called: Combined oxidative phosphorylation deficiency 17. Identifiers: Orphanet 369913, MedGen C3809526, MONDO:0014190, OMIM 615440.

Submission:

Labcorp Genetics (formerly Invitae), Labcorp
Classification: Uncertain significance for Combined oxidative phosphorylation defect type 17. Last evaluated: 2024-04-05. Review status: criteria provided, single submitter. Criteria: Invitae Variant Classification Sherloc (09022015). Collection method: clinical testing. Allele origin: germline.
Comment: This sequence change replaces glycine, which is neutral and non-polar, with cysteine, which is neutral and slightly polar, at codon 53 of the ELAC2 protein (p.Gly53Cys). This variant is not present in population databases (gnomAD no frequency). This variant has not been reported in the literature in individuals affected with ELAC2-related conditions. ClinVar contains an entry for this variant (Variation ID: 1514610). An algorithm developed to predict the effect of missense changes on protein structure and function (PolyPhen-2) suggests that this variant is likely to be disruptive. In summary, the available evidence is currently insufficient to determine the role of this variant in disease. Therefore, it has been classified as a Variant of Uncertain Significance.